The following is an entry in ClinVar:

NM_002439.5(MSH3):c.482C>T (p.Ala161Val)

Gene: MSH3 (mutS homolog 3; plus strand). Cytogenetic location: 5q14.1.
Variant type: single nucleotide variant.
Coding change: c.482C>T on transcript NM_002439.5 (MANE Select); coding-DNA position 482, C replaced by T.
Protein change: p.Ala161Val; replaces alanine 161 with valine.
Molecular consequence: missense variant.
Genome position (GRCh38, 1-based): chr5:80,665,266, C>T. VCF-style: chr5-80665266-C-T. GRCh37 (hg19) VCF-style: chr5-79961085-C-T.
Other names: short protein forms A161V.
Identifiers: ClinVar variation 1743414 (VCV001743414.7), dbSNP rs867080501, ClinGen allele CA121290996.

ClinVar aggregate classification (germline): Uncertain significance. Review status: criteria provided, multiple submitters, no conflicts (2 of 4 stars). 2 submissions from 2 submitters: Uncertain significance (2). Last evaluated 2022-03-10.

Conditions:
Hereditary cancer-predisposing syndrome. Also called: Hereditary Cancer Syndrome; Neoplastic Syndromes, Hereditary; Tumor predisposition; Hereditary neoplastic syndrome. Identifiers: Orphanet 140162, MedGen C0027672, MeSH D009386, MONDO:0015356.

Submissions (2):

Labcorp Genetics (formerly Invitae), Labcorp
Classification: Uncertain significance. Last evaluated: 2022-03-10. Review status: criteria provided, single submitter. Criteria: Invitae Variant Classification Sherloc (09022015). Collection method: clinical testing. Allele origin: germline.
Comment: In summary, the available evidence is currently insufficient to determine the role of this variant in disease. Therefore, it has been classified as a Variant of Uncertain Significance. Algorithms developed to predict the effect of missense changes on protein structure and function (SIFT, PolyPhen-2, Align-GVGD) all suggest that this variant is likely to be tolerated. This variant has not been reported in the literature in individuals affected with MSH3-related conditions. This variant is not present in population databases (gnomAD no frequency). This sequence change replaces alanine, which is neutral and non-polar, with valine, which is neutral and non-polar, at codon 161 of the MSH3 protein (p.Ala161Val).

Ambry Genetics
Classification: Uncertain significance for Hereditary cancer-predisposing syndrome. Last evaluated: 2020-09-18. Review status: criteria provided, single submitter. Criteria: Ambry Variant Classification Scheme 2023. Collection method: clinical testing. Allele origin: germline.
Comment: The p.A161V variant (also known as c.482C>T), located in coding exon 3 of the MSH3 gene, results from a C to T substitution at nucleotide position 482. The alanine at codon 161 is replaced by valine, an amino acid with similar properties. This amino acid position is well conserved in available vertebrate species. In addition, this alteration is predicted to be tolerated by in silico analysis. Since supporting evidence is limited at this time, the clinical significance of this alteration remains unclear.